The following is an entry in ClinVar:

ClinVar aggregate classification (germline): Uncertain significance (1 of 4 stars; one submission).

Conditions:
Menkes kinky-hair syndrome (MNK). Also called: Copper transport disease; Classic Menkes Disease; Menkes Disease. Identifiers: Orphanet 565, MedGen C0022716, MONDO:0010651, OMIM 309400.
Cutis laxa, X-linked (OHS). Also called: EDS IX; Occipital horn syndrome. Identifiers: Orphanet 198, MedGen C0268353, MONDO:0010572, OMIM 304150.
X-linked distal spinal muscular atrophy type 3. Also called: SPINAL MUSCULAR ATROPHY, DISTAL, X-LINKED RECESSIVE; ATP7A-Related Distal Motor Neuropathy; NEURONOPATHY, DISTAL HEREDITARY MOTOR, X-LINKED; NEUROPATHY, DISTAL HEREDITARY MOTOR, X-LINKED. Identifiers: Orphanet 139557, MedGen C1845359, MONDO:0010338, OMIM 300489.

Submission:

Labcorp Genetics (formerly Invitae), Labcorp
Classification: Uncertain significance for X-linked distal spinal muscular atrophy type 3; Cutis laxa, X-linked; Menkes kinky-hair syndrome. Last evaluated: 2019-01-24. Review status: criteria provided, single submitter. Criteria: Invitae Variant Classification Sherloc (09022015). Collection method: clinical testing. Allele origin: germline.
Comment: In summary, the available evidence is currently insufficient to determine the role of this variant in disease. Therefore, it has been classified as a Variant of Uncertain Significance. Algorithms developed to predict the effect of missense changes on protein structure and function are either unavailable or do not agree on the potential impact of this missense change (SIFT: "Deleterious"; PolyPhen-2: "Probably Damaging"; Align-GVGD: "Class C15"). This variant has not been reported in the literature in individuals with ATP7A-related conditions. This variant is not present in population databases (ExAC no frequency). This sequence change replaces glycine with arginine at codon 728 of the ATP7A protein (p.Gly728Arg). The glycine residue is highly conserved and there is a moderate physicochemical difference between glycine and arginine.

NM_000052.7(ATP7A):c.2182G>C (p.Gly728Arg)

Gene: ATP7A (ATPase copper transporting alpha; plus strand). Cytogenetic location: Xq21.1.
Variant type: single nucleotide variant.
Coding change: c.2182G>C on transcript NM_000052.7 (MANE Select); coding-DNA position 2182, G replaced by C.
Protein change: p.Gly728Arg; replaces glycine 728 with arginine.
Molecular consequence: missense variant. On other transcripts: intron variant (1).
Genome position (GRCh38, 1-based): chrX:78,012,888, G>C. VCF-style: chrX-78012888-G-C. GRCh37 (hg19) VCF-style: chrX-77268385-G-C.
Other names: c.2172+1214G>C (NM_001282224.2); short protein forms G728R.
Identifiers: ClinVar variation 844444 (VCV000844444.10), dbSNP rs2077837052, ClinGen allele CA413598607.